The following is an entry in ClinVar:

NM_138420.4(AHNAK2):c.5940C>G (p.Asp1980Glu)

Gene: AHNAK2 (AHNAK nucleoprotein 2; minus strand). Cytogenetic location: 14q32.33.
Variant type: single nucleotide variant.
Coding change: c.5940C>G on transcript NM_138420.4 (MANE Select); coding-DNA position 5940, C replaced by G.
Protein change: p.Asp1980Glu; replaces aspartic acid 1980 with glutamic acid.
Molecular consequence: missense variant.
Genome position (GRCh38, 1-based): chr14:104,949,511, G>C on the plus strand (C>G on the coding strand, the complement: AHNAK2 is on the minus strand). VCF-style: chr14-104949511-G-C. GRCh37 (hg19) VCF-style: chr14-105415848-G-C.
Other names: c.5640C>G, p.Asp1880Glu (NM_001350929.2); c.5940C>G (NM_138420.2); short protein forms D1880E, D1980E.
Identifiers: ClinVar variation 2644768 (VCV002644768.25), dbSNP rs563896817, ClinGen allele CA7381432.

ClinVar aggregate classification (germline): Conflicting classifications of pathogenicity. Review status: criteria provided, conflicting classifications (1 of 4 stars). 2 submissions from 2 submitters: Uncertain significance (1); Benign (1). Last evaluated 2024-06-11.

Allele frequency attached by ClinVar (database versions not stated): 1000 Genomes Project 30x 0.00062.
gnomAD v4.1: 182 of 1,585,638 alleles (0.011%); highest among the groups gnomAD compares: African/African-American, 0.2%; 16 homozygotes.

Submissions (2):

Ambry Genetics
Classification: Uncertain significance. Last evaluated: 2024-06-11. Review status: criteria provided, single submitter. Criteria: Ambry Variant Classification Scheme 2023. Collection method: clinical testing. Allele origin: germline.

CeGaT Center for Human Genetics Tuebingen
Classification: Benign. Last evaluated: 2022-04-01. Review status: criteria provided, single submitter. Criteria: CeGaT Center For Human Genetics Tuebingen Variant Classification Criteria Version 2. Collection method: clinical testing. Allele origin: germline. Affected: yes. Observed: 1 variant allele.
Comment: AHNAK2: BS1, BS2